The following is an entry in ClinVar:

ClinVar aggregate classification (germline): Uncertain significance (1 of 4 stars; one submission).

Allele frequency attached by ClinVar (database versions not stated): gnomAD 0.00001; TOPMed 0.00001; gnomAD exomes 0.00002; ESP Exome Variant Server 0.00008.
gnomAD v4.1: 34 of 1,613,928 alleles (0.0021%); highest among the groups gnomAD compares: Non-Finnish European, 0.0029%; no homozygotes.

Submission:

Labcorp Genetics (formerly Invitae), Labcorp
Classification: Uncertain significance. Last evaluated: 2023-03-08. Review status: criteria provided, single submitter. Criteria: Invitae Variant Classification Sherloc (09022015). Collection method: clinical testing. Allele origin: germline.
Comment: ClinVar contains an entry for this variant (Variation ID: 1942875). In summary, the available evidence is currently insufficient to determine the role of this variant in disease. Therefore, it has been classified as a Variant of Uncertain Significance. Advanced modeling of protein sequence and biophysical properties (such as structural, functional, and spatial information, amino acid conservation, physicochemical variation, residue mobility, and thermodynamic stability) performed at Invitae indicates that this missense variant is not expected to disrupt LZTS1 protein function. This variant has not been reported in the literature in individuals affected with LZTS1-related conditions. This variant is not present in population databases (gnomAD no frequency). This sequence change replaces glycine, which is neutral and non-polar, with serine, which is neutral and polar, at codon 517 of the LZTS1 protein (p.Gly517Ser).

NM_021020.5(LZTS1):c.1549G>A (p.Gly517Ser)

Gene: LZTS1 (leucine zipper tumor suppressor 1; minus strand). Cytogenetic location: 8p21.3.
Variant type: single nucleotide variant.
Coding change: c.1549G>A on transcript NM_021020.5 (MANE Select); coding-DNA position 1549, G replaced by A.
Protein change: p.Gly517Ser; replaces glycine 517 with serine.
Molecular consequence: missense variant.
Genome position (GRCh38, 1-based): chr8:20,249,964, C>T on the plus strand (G>A on the coding strand, the complement: LZTS1 is on the minus strand). VCF-style: chr8-20249964-C-T. GRCh37 (hg19) VCF-style: chr8-20107475-C-T.
Other names: c.1549G>A, p.Gly517Ser (NM_001362884.2); short protein forms G517S.
Identifiers: ClinVar variation 1942875 (VCV001942875.5), dbSNP rs367694007, ClinGen allele CA173399109.
Genomic context (GRCh38, chr8:20,249,964, plus strand): 5'-CCTTCTCCTCCTTCCACACGAGCCGCTCATGCTGGAAGCCCGAGGACATCTGGTCATGGC[C>T]TTGCCGCTCCTCCCGCAGCTCGGCCCGCAGCCGCTCCAGCTCCCGCTGCAGGGCAGGGAC-3'
Protein context (NP_066300.1, residues 507-527): LRAELREERQ[Gly517Ser]HDQMSSGFQH